The following is an entry in ClinVar:

ClinVar aggregate classification (germline): Conflicting classifications of pathogenicity. Review status: criteria provided, conflicting classifications (1 of 4 stars). 2 submissions from 2 submitters: Uncertain significance (1); Likely benign (1). Last evaluated 2025-09-25.

Conditions:
KBG syndrome (KBGS). Also called: ANKRD11-Related KBG Syndrome. Identifiers: Orphanet 2332, MedGen C0220687, MONDO:0007846, OMIM 148050.
Inborn genetic diseases. Identifiers: MedGen C0950123, MeSH D030342.

gnomAD v4.1: 1 of 1,612,800 alleles (0.000062%); highest among the groups gnomAD compares: African/African-American, 0.0013%; no homozygotes.

Submissions (2):

Labcorp Genetics (formerly Invitae), Labcorp
Classification: Uncertain significance for KBG syndrome. Last evaluated: 2025-09-25. Review status: criteria provided, single submitter. Criteria: Invitae Variant Classification Sherloc (09022015). Collection method: clinical testing. Allele origin: germline.
Comment: This sequence change replaces aspartic acid, which is acidic and polar, with glutamic acid, which is acidic and polar, at codon 1536 of the ANKRD11 protein (p.Asp1536Glu). This variant is present in population databases (no rsID available, gnomAD 0.01%). This variant has not been reported in the literature in individuals affected with ANKRD11-related conditions. ClinVar contains an entry for this variant (Variation ID: 1966312). Invitae Evidence Modeling of protein sequence and biophysical properties (such as structural, functional, and spatial information, amino acid conservation, physicochemical variation, residue mobility, and thermodynamic stability) indicates that this missense variant is not expected to disrupt ANKRD11 protein function with a negative predictive value of 95%. In summary, the available evidence is currently insufficient to determine the role of this variant in disease. Therefore, it has been classified as a Variant of Uncertain Significance.

Ambry Genetics
Classification: Likely benign for Inborn genetic diseases. Last evaluated: 2025-06-24. Review status: criteria provided, single submitter. Criteria: Ambry Variant Classification Scheme 2023. Collection method: clinical testing. Allele origin: germline.

NM_013275.6(ANKRD11):c.4608C>A (p.Asp1536Glu)

Gene: ANKRD11 (ankyrin repeat domain 11; minus strand). Cytogenetic location: 16q24.3.
Variant type: single nucleotide variant.
Coding change: c.4608C>A on transcript NM_013275.6 (MANE Select); coding-DNA position 4608, C replaced by A.
Protein change: p.Asp1536Glu; replaces aspartic acid 1536 with glutamic acid.
Molecular consequence: missense variant.
Genome position (GRCh38, 1-based): chr16:89,281,934, G>T on the plus strand (C>A on the coding strand, the complement: ANKRD11 is on the minus strand). VCF-style: chr16-89281934-G-T. GRCh37 (hg19) VCF-style: chr16-89348342-G-T.
Other names: c.4608C>A, p.Asp1536Glu (NM_001256182.2, NM_001256183.2); c.4608C>A (NM_013275.4); short protein forms D1536E.
Identifiers: ClinVar variation 1966312 (VCV001966312.6), dbSNP rs759416890, ClinGen allele CA397157202.